The following is an entry in ClinVar:

NM_006231.4(POLE):c.2852A>C (p.Lys951Thr)

Gene: POLE (DNA polymerase epsilon, catalytic subunit; minus strand). Cytogenetic location: 12q24.33.
Variant type: single nucleotide variant.
Coding change: c.2852A>C on transcript NM_006231.4 (MANE Select); coding-DNA position 2852, A replaced by C.
Protein change: p.Lys951Thr; replaces lysine 951 with threonine.
Molecular consequence: missense variant.
Genome position (GRCh38, 1-based): chr12:132,661,539, T>G on the plus strand (A>C on the coding strand, the complement: POLE is on the minus strand). VCF-style: chr12-132661539-T-G. GRCh37 (hg19) VCF-style: chr12-133238125-T-G.
Other names: c.2852A>C (NM_006231.2); short protein forms K951T.
Identifiers: ClinVar variation 540805 (VCV000540805.9), dbSNP rs1555226017, ClinGen allele CA387393565.

ClinVar aggregate classification (germline): Uncertain significance. Review status: criteria provided, multiple submitters, no conflicts (2 of 4 stars). 2 submissions from 2 submitters: Uncertain significance (2). Last evaluated 2024-12-12.

Conditions:
Hereditary cancer-predisposing syndrome. Also called: Neoplastic Syndromes, Hereditary; Hereditary Cancer Syndrome; Hereditary neoplastic syndrome; Tumor predisposition. Identifiers: Orphanet 140162, MedGen C0027672, MeSH D009386, MONDO:0015356.

Allele frequency attached by ClinVar (database versions not stated): gnomAD exomes below 0.00001.
gnomAD v4.1: 1 of 1,614,156 alleles (0.000062%); highest among the groups gnomAD compares: South Asian, 0.0011%; no homozygotes.

Submissions (2):

Ambry Genetics
Classification: Uncertain significance for Hereditary cancer-predisposing syndrome. Last evaluated: 2024-12-12. Review status: criteria provided, single submitter. Criteria: Ambry Variant Classification Scheme 2023. Collection method: clinical testing. Allele origin: germline.
Comment: The p.K951T variant (also known as c.2852A>C), located in coding exon 24 of the POLE gene, results from an A to C substitution at nucleotide position 2852. The lysine at codon 951 is replaced by threonine, an amino acid with similar properties. This amino acid position is conserved. In addition, the in silico prediction for this alteration is inconclusive. Based on the available evidence, the clinical significance of this variant remains unclear.

Labcorp Genetics (formerly Invitae), Labcorp
Classification: Uncertain significance. Last evaluated: 2017-12-04. Review status: criteria provided, single submitter. Criteria: Invitae Variant Classification Sherloc (09022015). Collection method: clinical testing. Allele origin: germline.
Comment: In summary, the available evidence is currently insufficient to determine the role of this variant in disease. Therefore, it has been classified as a Variant of Uncertain Significance. Algorithms developed to predict the effect of missense changes on protein structure and function do not agree on the potential impact of this missense change (SIFT: "Tolerated"; PolyPhen-2: "Probably Damaging"; Align-GVGD: "Class C0"). This variant has not been reported in the literature in individuals with POLE-related disease. This variant is not present in population databases (ExAC no frequency). This sequence change replaces lysine with threonine at codon 951 of the POLE protein (p.Lys951Thr). The lysine residue is highly conserved and there is a moderate physicochemical difference between lysine and threonine.